The following is an entry in ClinVar:

ClinVar aggregate classification (germline): Likely benign (1 of 4 stars; one submission).

Conditions:
TRIO-related disorder. Also called: TRIO-related disorders; TRIO-related condition.

gnomAD v4.1: 7 of 1,614,036 alleles (0.00043%); highest among the groups gnomAD compares: Non-Finnish European, 0.00059%; no homozygotes.

Submission:

PreventionGenetics, part of Exact Sciences
Classification: Likely benign for TRIO-related condition. Last evaluated: 2025-10-01. Review status: criteria provided, single submitter. Criteria: ACMG Guidelines, 2015. Collection method: clinical testing. Allele origin: germline.
Comment: This variant is classified as likely benign based on ACMG/AMP sequence variant interpretation guidelines (Richards et al. 2015 PMID: 25741868, with internal and published modifications).

NM_007118.4(TRIO):c.8592C>T (p.Ser2864=)

Gene: TRIO (trio Rho guanine nucleotide exchange factor; plus strand). Cytogenetic location: 5p15.2.
Variant type: single nucleotide variant.
Coding change: c.8592C>T on transcript NM_007118.4 (MANE Select); coding-DNA position 8592, C replaced by T.
Protein change: p.Ser2864=; no amino-acid change (serine 2864 retained).
Molecular consequence: synonymous variant. On other transcripts: non-coding transcript variant (1).
Genome position (GRCh38, 1-based): chr5:14,504,573, C>T. VCF-style: chr5-14504573-C-T. GRCh37 (hg19) VCF-style: chr5-14504682-C-T.
Identifiers: ClinVar variation 4987760 (VCV004987760.1).